The following is an entry in ClinVar:

ClinVar aggregate classification (germline): Likely benign. Review status: criteria provided, single submitter (1 of 4 stars). 2 submissions from 2 submitters: Likely benign (1). 1 of the submissions does not count toward it. Last evaluated 2025-11-13.

Conditions:
COL9A1-related disorder. Also called: COL9A1-related condition; COL9A1-related disorders.

Allele frequency attached by ClinVar (database versions not stated): gnomAD exomes 0.00002.
gnomAD v4.1: 16 of 1,614,108 alleles (0.00099%); highest among the groups gnomAD compares: Non-Finnish European, 0.0014%; no homozygotes.

Submissions (2):

Labcorp Genetics (formerly Invitae), Labcorp
Classification: Likely benign. Last evaluated: 2025-11-13. Review status: criteria provided, single submitter. Criteria: Invitae Variant Classification Sherloc (09022015). Collection method: clinical testing. Allele origin: germline.

PreventionGenetics, part of Exact Sciences
Classification: Likely benign for COL9A1-related condition. Last evaluated: 2021-04-13. Review status: no assertion criteria provided. Collection method: clinical testing. Allele origin: germline. Not counted in ClinVar's aggregate classification.
Comment: This variant is classified as likely benign based on ACMG/AMP sequence variant interpretation guidelines (Richards et al. 2015 PMID: 25741868, with internal and published modifications).

NM_001851.6(COL9A1):c.654T>A (p.Ala218=)

Gene: COL9A1 (collagen type IX alpha 1 chain; minus strand). Cytogenetic location: 6q13.
Variant type: single nucleotide variant.
Coding change: c.654T>A on transcript NM_001851.6 (MANE Select); coding-DNA position 654, T replaced by A.
Protein change: p.Ala218=; no amino-acid change (alanine 218 retained).
Molecular consequence: synonymous variant.
Genome position (GRCh38, 1-based): chr6:70,294,209, A>T on the plus strand (T>A on the coding strand, the complement: COL9A1 is on the minus strand). VCF-style: chr6-70294209-A-T. GRCh37 (hg19) VCF-style: chr6-71003912-A-T.
Other names: c.654T>A, p.Ala218= (NM_001377291.1).
Identifiers: ClinVar variation 3031297 (VCV003031297.4), dbSNP rs776283719, ClinGen allele CA140824162.